The following is an entry in ClinVar:

NM_001009944.3(PKD1):c.3821T>A (p.Val1274Glu)

Gene: PKD1 (polycystin 1, transient receptor potential channel interacting; minus strand). Cytogenetic location: 16p13.3.
Variant type: single nucleotide variant.
Coding change: c.3821T>A on transcript NM_001009944.3 (MANE Select); coding-DNA position 3821, T replaced by A.
Protein change: p.Val1274Glu; replaces valine 1274 with glutamic acid.
Molecular consequence: missense variant.
Genome position (GRCh38, 1-based): chr16:2,111,346, A>T on the plus strand (T>A on the coding strand, the complement: PKD1 is on the minus strand). VCF-style: chr16-2111346-A-T. GRCh37 (hg19) VCF-style: chr16-2161347-A-T.
Other names: c.3821T>A, p.Val1274Glu (NM_000296.4); short protein forms V1274E.
Identifiers: ClinVar variation 3905803 (VCV003905803.10).

ClinVar aggregate classification (germline): Uncertain significance (1 of 4 stars; one submission).

Submission:

CeGaT Center for Human Genetics Tuebingen
Classification: Uncertain significance. Last evaluated: 2025-05-01. Review status: criteria provided, single submitter. Criteria: CeGaT Center For Human Genetics Tuebingen Variant Classification Criteria Version 2. Collection method: clinical testing. Allele origin: germline. Affected: yes. Observed: 1 variant allele.
Comment: PKD1: PM2, PP4, PS4:Supporting, BP4